The following is an entry in ClinVar:

ClinVar aggregate classification (germline): Uncertain significance. Review status: criteria provided, multiple submitters, no conflicts (2 of 4 stars). 2 submissions from 2 submitters: Uncertain significance (2). Last evaluated 2025-02-19.

Conditions:
Inborn genetic diseases. Identifiers: MedGen C0950123, MeSH D030342.

gnomAD v4.1: 20 of 1,613,928 alleles (0.0012%); highest among the groups gnomAD compares: South Asian, 0.0022%; no homozygotes.

Submissions (2):

Ambry Genetics
Classification: Uncertain significance for Inborn genetic diseases. Last evaluated: 2025-02-19. Review status: criteria provided, single submitter. Criteria: Ambry Variant Classification Scheme 2023. Collection method: clinical testing. Allele origin: germline.

Mayo Clinic Laboratories, Mayo Clinic
Classification: Uncertain significance. Last evaluated: 2023-05-01. Review status: criteria provided, single submitter. Criteria: ACMG Guidelines, 2015. Collection method: clinical testing. Allele origin: germline. Observed: 1 variant allele.
Comment: PM2

NM_005559.4(LAMA1):c.2188G>A (p.Val730Met)

Gene: LAMA1 (laminin subunit alpha 1; minus strand). Cytogenetic location: 18p11.31.
Variant type: single nucleotide variant.
Coding change: c.2188G>A on transcript NM_005559.4 (MANE Select); coding-DNA position 2188, G replaced by A.
Protein change: p.Val730Met; replaces valine 730 with methionine.
Molecular consequence: missense variant.
Genome position (GRCh38, 1-based): chr18:7,032,152, C>T on the plus strand (G>A on the coding strand, the complement: LAMA1 is on the minus strand). VCF-style: chr18-7032152-C-T. GRCh37 (hg19) VCF-style: chr18-7032151-C-T.
Other names: p.Val730Met; c.2188G>A (NM_005559.3); short protein forms V730M.
Identifiers: ClinVar variation 2683449 (VCV002683449.2), dbSNP rs200570694, ClinGen allele CA8882725.